The following is an entry in ClinVar:

NM_002860.4(ALDH18A1):c.295G>A (p.Val99Ile)

Gene: ALDH18A1 (aldehyde dehydrogenase 18 family member A1; minus strand). Cytogenetic location: 10q24.1.
Variant type: single nucleotide variant.
Coding change: c.295G>A on transcript NM_002860.4 (MANE Select); coding-DNA position 295, G replaced by A.
Protein change: p.Val99Ile; replaces valine 99 with isoleucine.
Molecular consequence: missense variant. On other transcripts: intron variant (4).
Genome position (GRCh38, 1-based): chr10:95,643,000, C>T on the plus strand (G>A on the coding strand, the complement: ALDH18A1 is on the minus strand). VCF-style: chr10-95643000-C-T. GRCh37 (hg19) VCF-style: chr10-97402757-C-T.
Other names: c.295G>A, p.Val99Ile (NM_001017423.2, NM_001323413.2, NM_001323414.2 and 2 more transcripts); c.-78-9351G>A (NM_001323419.2); c.-30-5564G>A (NM_001323412.2, NM_001323418.2, NM_001323416.2); short protein forms V99I.
Identifiers: ClinVar variation 1906452 (VCV001906452.5), dbSNP rs779947647, ClinGen allele CA5620651.

ClinVar aggregate classification (germline): Uncertain significance (1 of 4 stars; one submission).

Conditions:
Autosomal dominant spastic paraplegia type 9. Identifiers: MedGen C1832669, MONDO:0015091.
Cutis laxa, autosomal dominant 3 (ADCL3). Identifiers: Orphanet 90348, MedGen C4225268, MONDO:0014706, OMIM 616603.
de Barsy syndrome. Also called: Cutis laxa-corneal clouding-oligophrenia syndrome. Identifiers: Orphanet 2962, MedGen C0268354, MONDO:0017569.

Allele frequency attached by ClinVar (database versions not stated): gnomAD exomes below 0.00001; ExAC 0.00001.
gnomAD v4.1: 1 of 1,613,400 alleles (0.000062%); highest among the groups gnomAD compares: Non-Finnish European, 0.000085%; no homozygotes.

Submission:

Labcorp Genetics (formerly Invitae), Labcorp
Classification: Uncertain significance for Autosomal dominant spastic paraplegia type 9; de Barsy syndrome; Cutis laxa, autosomal dominant 3. Last evaluated: 2022-04-09. Review status: criteria provided, single submitter. Criteria: Invitae Variant Classification Sherloc (09022015). Collection method: clinical testing. Allele origin: germline.
Comment: In summary, the available evidence is currently insufficient to determine the role of this variant in disease. Therefore, it has been classified as a Variant of Uncertain Significance. Algorithms developed to predict the effect of missense changes on protein structure and function are either unavailable or do not agree on the potential impact of this missense change (SIFT: "Deleterious"; PolyPhen-2: "Possibly Damaging"; Align-GVGD: "Class C0"). This variant has not been reported in the literature in individuals affected with ALDH18A1-related conditions. This variant is present in population databases (rs779947647, gnomAD 0.0009%). This sequence change replaces valine, which is neutral and non-polar, with isoleucine, which is neutral and non-polar, at codon 99 of the ALDH18A1 protein (p.Val99Ile).